The following is an entry in ClinVar:

ClinVar aggregate classification (germline): Uncertain significance (1 of 4 stars; one submission).

Submission:

Ambry Genetics
Classification: Uncertain significance. Last evaluated: 2025-05-19. Review status: criteria provided, single submitter. Criteria: Ambry Variant Classification Scheme 2023. Collection method: clinical testing. Allele origin: germline.
Comment: The p.A57V variant (also known as c.170C>T), located in coding exon 1 of the ATRIP gene, results from a C to T substitution at nucleotide position 170. The alanine at codon 57 is replaced by valine, an amino acid with similar properties. This amino acid position is conserved. In addition, this alteration is predicted to be tolerated by in silico analysis. Based on the available evidence, the clinical significance of this variant remains unclear.

NM_130384.3(ATRIP):c.170C>T (p.Ala57Val)

Genes: ATRIP (ATR interacting protein; plus strand), ATRIP-TREX1 (ATRIP-TREX1 readthrough; plus strand), LOC129936703 (ATAC-STARR-seq lymphoblastoid silent region 14331; plus strand). Cytogenetic location: 3p21.31.
Variant type: single nucleotide variant.
Coding change: c.170C>T on transcript NM_130384.3 (MANE Select); coding-DNA position 170, C replaced by T.
Protein change: p.Ala57Val; replaces alanine 57 with valine.
Molecular consequence: missense variant. On other transcripts: non-coding transcript variant (1), intron variant (1).
Genome position (GRCh38, 1-based): chr3:48,447,015, C>T. VCF-style: chr3-48447015-C-T. GRCh37 (hg19) VCF-style: chr3-48488419-C-T.
Other names: c.170C>T, p.Ala57Val (NM_032166.4); c.-218+216C>T (NM_001271022.2); short protein forms A57V.
Identifiers: ClinVar variation 3976690 (VCV003976690.1).